The following is an entry in ClinVar:

ClinVar aggregate classification (germline): Benign. Review status: criteria provided, multiple submitters, no conflicts (2 of 4 stars). 6 submissions from 6 submitters: Benign (6). Last evaluated 2026-02-04.

Conditions:
Hypogonadotropic hypogonadism 24 without anosmia (HH24). Also called: Follicle-stimulating hormone deficiency, isolated; HYPOGONADOTROPIC HYPOGONADISM 24 WITH OR WITHOUT ANOSMIA. Identifiers: Orphanet 52901, MedGen C5574957, MONDO:0009239, OMIM 229070.

Allele frequency attached by ClinVar (database versions not stated): gnomAD exomes 0.51168 and 0.46051; gnomAD 0.53743 and 0.53992; ExAC 0.51420; TOPMed 0.54640; ESP Exome Variant Server 0.52846; 1000 Genomes Project 30x 0.61477; 1000 Genomes Project 0.61482.

Submissions (6):

Labcorp Genetics (formerly Invitae), Labcorp
Classification: Benign. Last evaluated: 2026-02-04. Review status: criteria provided, single submitter. Criteria: Invitae Variant Classification Sherloc (09022015). Collection method: clinical testing. Allele origin: germline.

Genome-Nilou Lab
Classification: Benign for Hypogonadotropic hypogonadism 24 without anosmia. Last evaluated: 2021-08-10. Review status: criteria provided, single submitter. Criteria: ACMG Guidelines, 2015. Collection method: clinical testing. Allele origin: germline. Affected: no.

GeneDx
Classification: Benign. Last evaluated: 2018-11-11. Review status: criteria provided, single submitter. Criteria: GeneDx Variant Classification Process June 2021. Collection method: clinical testing. Allele origin: germline. Affected: yes.

Illumina Laboratory Services, Illumina
Classification: Benign for Hypogonadotropic hypogonadism 24 without anosmia. Last evaluated: 2018-01-12. Review status: criteria provided, single submitter. Criteria: ICSL Variant Classification Criteria 13 December 2019. Collection method: clinical testing. Allele origin: germline.
Comment: This variant was observed in the ICSL laboratory as part of a predisposition screen in an ostensibly healthy population. It had not been previously curated by ICSL or reported in the Human Gene Mutation Database (HGMD: prior to June 1st, 2018), and was therefore a candidate for classification through an automated scoring system. Utilizing variant allele frequency, disease prevalence and penetrance estimates, and inheritance mode, an automated score was calculated to assess if this variant is too frequent to cause the disease. Based on the score and internal cut-off values, a variant classified as benign is not then subjected to further curation. The score for this variant resulted in a classification of benign for this disease.

Breakthrough Genomics
Classification: Benign. Review status: criteria provided, single submitter. Criteria: ACMG Guidelines, 2015. Collection method: not provided. Allele origin: germline. Inheritance: Autosomal recessive inheritance. Affected: yes.

PreventionGenetics, part of Exact Sciences
Classification: Benign. Review status: criteria provided, single submitter. Criteria: ACMG Guidelines, 2015. Collection method: clinical testing. Allele origin: germline.

NM_001382289.1(FSHB):c.228C>T (p.Tyr76=)

Genes: ARL14EP-DT (ARL14EP divergent transcript; minus strand), FSHB (follicle stimulating hormone subunit beta; plus strand). Cytogenetic location: 11p14.1.
Variant type: single nucleotide variant.
Coding change: c.228C>T on transcript NM_001382289.1 (MANE Select); coding-DNA position 228, C replaced by T.
Protein change: p.Tyr76=; no amino-acid change (tyrosine 76 retained).
Molecular consequence: synonymous variant.
Genome position (GRCh38, 1-based): chr11:30,233,638, C>T. VCF-style: chr11-30233638-C-T. GRCh37 (hg19) VCF-style: chr11-30255185-C-T.
Other names: c.228C>T, p.Tyr76= (NM_000510.4, NM_001018080.3).
Identifiers: ClinVar variation 257061 (VCV000257061.16), dbSNP rs6169, ClinGen allele CA5930781.
Genomic context (GRCh38, chr11:30,233,638, plus strand): 5'-GTATAAGGACCCAGCCAGGCCCAAAATCCAGAAAACATGTACCTTCAAGGAACTGGTATA[C>T]GAAACAGTGAGAGTGCCCGGCTGTGCTCACCATGCAGATTCCTTGTATACATACCCAGTG-3'
Protein context (NP_001369218.1, residues 66-86): QKTCTFKELV[Tyr76=]ETVRVPGCAH